The following is an entry in ClinVar:

ClinVar aggregate classification (germline): Uncertain significance (1 of 4 stars; one submission).

Conditions:
Mitochondrial DNA depletion syndrome 13. Also called: FBXL4-Related Encephalomyopathic Mitochondrial DNA Depletion Syndrome; Mitochondrial DNA depletion syndrome 13 (encephalomyopathic type). Identifiers: Orphanet 369897, MedGen C3809592, MONDO:0014198, OMIM 615471.

Allele frequency attached by ClinVar (database versions not stated): gnomAD below 0.00001 and 0.00001; gnomAD exomes 0.00001; ExAC 0.00002.
gnomAD v4.1: 7 of 1,612,746 alleles (0.00043%); highest among the groups gnomAD compares: South Asian, 0.0077%; no homozygotes.

Submission:

Wong Mito Lab, Molecular and Human Genetics, Baylor College of Medicine
Classification: Uncertain significance for Mitochondrial DNA depletion syndrome 13. Last evaluated: 2017-08-10. Review status: criteria provided, single submitter. Criteria: ACMG Guidelines, 2015. Collection method: reference population. Allele origin: germline.
Comment: The NM_012160.4:c.1702+6G>A (NP_036292.2:p.=) [GRCH38: NC_000006.12:g.98875409C>T] variant in FBXL4 gene is interpretated to be a Uncertain Significance - Insufficient Evidence based on ACMG guidelines (PMID: 25741868). This variant meets one or more of the following evidence codes reported in the ACMG-guideline. PM2:This variant is absent in key population databases. Based on this evidence code ClinGen Pathogenicity Calculator (PMID:28081714) suggested that the variant is Uncertain Significance - Insufficient Evidence.

NM_001278716.2(FBXL4):c.1702+6G>A

Gene: FBXL4 (F-box and leucine rich repeat protein 4; minus strand). Cytogenetic location: 6q16.1.
Variant type: single nucleotide variant.
Coding change: c.1702+6G>A on transcript NM_001278716.2 (MANE Select); 6 bases into the intron after coding-DNA position 1702, G replaced by A.
Molecular consequence: intron variant.
Genome position (GRCh38, 1-based): chr6:98,875,409, C>T on the plus strand (G>A on the coding strand, the complement: FBXL4 is on the minus strand). VCF-style: chr6-98875409-C-T. GRCh37 (hg19) VCF-style: chr6-99323285-C-T.
Other names: c.1702+6G>A (NM_012160.5).
Identifiers: ClinVar variation 437791 (VCV000437791.1), dbSNP rs766278048, ClinGen allele CA3933401.